The following is an entry in ClinVar:

NM_005530.3(IDH3A):c.574C>A (p.Arg192=)

Gene: IDH3A (isocitrate dehydrogenase (NAD(+)) 3 catalytic subunit alpha; plus strand). Cytogenetic location: 15q25.1.
Variant type: single nucleotide variant.
Coding change: c.574C>A on transcript NM_005530.3 (MANE Select); coding-DNA position 574, C replaced by A.
Protein change: p.Arg192=; no amino-acid change (arginine 192 retained).
Molecular consequence: synonymous variant.
Genome position (GRCh38, 1-based): chr15:78,162,330, C>A. VCF-style: chr15-78162330-C-A. GRCh37 (hg19) VCF-style: chr15-78454672-C-A.
Other names: c.574C>A (NM_005530.2).
Identifiers: ClinVar variation 1599128 (VCV001599128.11), dbSNP rs201474168, ClinGen allele CA7680605.

ClinVar aggregate classification (germline): Benign/Likely benign. Review status: criteria provided, multiple submitters, no conflicts (2 of 4 stars). 3 submissions from 3 submitters: Benign (1); Likely benign (1). 1 of the submissions does not count toward it. Last evaluated 2025-08-04.

Conditions:
IDH3A-related disorder. Also called: IDH3A-related condition.

Allele frequency attached by ClinVar (database versions not stated): TOPMed 0.00008; 1000 Genomes Project 30x 0.00016; 1000 Genomes Project 0.00020; ExAC 0.00104; gnomAD exomes 0.00108.
gnomAD v4.1: 662 of 1,614,168 alleles (0.041%); highest among the groups gnomAD compares: East Asian, 0.025%; 2 homozygotes.

Submissions (3):

Labcorp Genetics (formerly Invitae), Labcorp
Classification: Benign. Last evaluated: 2025-08-04. Review status: criteria provided, single submitter. Criteria: Invitae Variant Classification Sherloc (09022015). Collection method: clinical testing. Allele origin: germline.

Blueprint Genetics
Classification: Likely benign. Last evaluated: 2024-10-04. Review status: criteria provided, single submitter. Criteria: ACMG Guidelines, 2015. Collection method: clinical testing. Allele origin: germline.

PreventionGenetics, part of Exact Sciences
Classification: Likely benign for IDH3A-related condition. Last evaluated: 2019-04-09. Review status: no assertion criteria provided. Collection method: clinical testing. Allele origin: germline. Not counted in ClinVar's aggregate classification.
Comment: This variant is classified as likely benign based on ACMG/AMP sequence variant interpretation guidelines (Richards et al. 2015 PMID: 25741868, with internal and published modifications).